The following is an entry in ClinVar:

ClinVar aggregate classification (germline): Likely benign. Review status: criteria provided, multiple submitters, no conflicts (2 of 4 stars). 2 submissions from 2 submitters: Likely benign (2). Last evaluated 2025-11-17.

Conditions:
Developmental and epileptic encephalopathy 94 (DEE94). Also called: Epileptic encephalopathy, childhood-onset; CHD2-Related Neurodevelopmental Disorders. Identifiers: Orphanet 1942, Orphanet 2382, MedGen C3809278, MONDO:0014150, OMIM 615369.

Allele frequency attached by ClinVar (database versions not stated): gnomAD exomes 0.00001 and 0.00002; ExAC 0.00002; TOPMed 0.00005; gnomAD 0.00006 and 0.00007; 1000 Genomes Project 30x 0.00016; 1000 Genomes Project 0.00020.
gnomAD v4.1: 23 of 1,605,666 alleles (0.0014%); highest among the groups gnomAD compares: African/African-American, 0.03%; no homozygotes.

Submissions (2):

Labcorp Genetics (formerly Invitae), Labcorp
Classification: Likely benign for Developmental and epileptic encephalopathy 94. Last evaluated: 2025-11-17. Review status: criteria provided, single submitter. Criteria: Invitae Variant Classification Sherloc (09022015). Collection method: clinical testing. Allele origin: germline.

GeneDx
Classification: Likely benign. Last evaluated: 2016-11-03. Review status: criteria provided, single submitter. Criteria: GeneDx Variant Classification (06012015). Collection method: clinical testing. Allele origin: germline. Affected: yes.
Comment: This variant is considered likely benign or benign based on one or more of the following criteria: it is a conservative change, it occurs at a poorly conserved position in the protein, it is predicted to be benign by multiple in silico algorithms, and/or has population frequency not consistent with disease.

NM_001271.4(CHD2):c.826+14G>A

Gene: CHD2 (chromodomain helicase DNA binding protein 2; plus strand). Cytogenetic location: 15q26.1.
Variant type: single nucleotide variant.
Coding change: c.826+14G>A on transcript NM_001271.4 (MANE Select); 14 bases into the intron after coding-DNA position 826, G replaced by A.
Molecular consequence: intron variant.
Genome position (GRCh38, 1-based): chr15:92,941,969, G>A. VCF-style: chr15-92941969-G-A. GRCh37 (hg19) VCF-style: chr15-93485199-G-A.
Other names: c.826+14G>A (NM_001042572.3).
Identifiers: ClinVar variation 390672 (VCV000390672.6), dbSNP rs189583903, ClinGen allele CA7747626.